The following is an entry in ClinVar:

NM_020738.4(KIDINS220):c.1337C>T (p.Ala446Val)

Gene: KIDINS220 (kinase D interacting substrate 220; minus strand). Cytogenetic location: 2p25.1.
Variant type: single nucleotide variant.
Coding change: c.1337C>T on transcript NM_020738.4 (MANE Select); coding-DNA position 1337, C replaced by T.
Protein change: p.Ala446Val; replaces alanine 446 with valine.
Molecular consequence: missense variant. On other transcripts: non-coding transcript variant (2).
Genome position (GRCh38, 1-based): chr2:8,791,164, G>A on the plus strand (C>T on the coding strand, the complement: KIDINS220 is on the minus strand). VCF-style: chr2-8791164-G-A. GRCh37 (hg19) VCF-style: chr2-8931294-G-A.
Other names: c.1340C>T, p.Ala447Val (NM_001348729.2, NM_001348731.2, NM_001348734.2 and 3 more transcripts); c.1337C>T, p.Ala446Val (NM_001348732.2, NM_001348735.2, NM_001348738.2 and 3 more transcripts); c.1211C>T, p.Ala404Val (NM_001348736.2); short protein forms A404V, A446V, A447V.
Identifiers: ClinVar variation 1806751 (VCV001806751.1), dbSNP rs2528049374, ClinGen allele CA345768350.
Genomic context (GRCh38, chr2:8,791,164, plus strand): 5'-GCATATAACCCCACACAAATGGGTGGCTGCATGGTAGGCTCACTGAGAATATCTGCCAGG[G>A]CACTGCTATATAAATCATATCCAAGCATGTCACCGTCTGTTTCAGTAGGAGACAAGTGTC-3'
Protein context (NP_065789.1, residues 436-456): DMLGYDLYSS[Ala446Val]LADILSEPTM

ClinVar aggregate classification (germline): Uncertain significance (1 of 4 stars; one submission).

Submission:

GeneDx
Classification: Uncertain significance. Last evaluated: 2022-06-22. Review status: criteria provided, single submitter. Criteria: GeneDx Variant Classification Process June 2021. Collection method: clinical testing. Allele origin: germline. Affected: yes.
Comment: Not observed at significant frequency in large population cohorts (gnomAD); In silico analysis supports that this missense variant has a deleterious effect on protein structure/function; Has not been previously published as pathogenic or benign to our knowledge